The following is an entry in ClinVar:

ClinVar aggregate classification (germline): Likely benign. Review status: criteria provided, multiple submitters, no conflicts (2 of 4 stars). 3 submissions from 3 submitters: Likely benign (3). Last evaluated 2025-06-20.

Conditions:
Developmental and epileptic encephalopathy, 36 (DEE36). Also called: Epileptic encephalopathy, early infantile, 36; ALG13-CDG; Congenital disorder of glycosylation, type Is. Identifiers: Orphanet 324422, MedGen C4317295, MONDO:0010472, OMIM 300884.

Submissions (3):

Labcorp Genetics (formerly Invitae), Labcorp
Classification: Likely benign for Developmental and epileptic encephalopathy, 36. Last evaluated: 2025-06-20. Review status: criteria provided, single submitter. Criteria: Invitae Variant Classification Sherloc (09022015). Collection method: clinical testing. Allele origin: germline.

CeGaT Center for Human Genetics Tuebingen
Classification: Likely benign. Last evaluated: 2025-04-01. Review status: criteria provided, single submitter. Criteria: CeGaT Center For Human Genetics Tuebingen Variant Classification Criteria Version 2. Collection method: clinical testing. Allele origin: germline. Affected: yes. Observed: 1 variant allele.
Comment: ALG13: BS2

GeneDx
Classification: Likely benign. Last evaluated: 2019-11-11. Review status: criteria provided, single submitter. Criteria: GeneDx Variant Classification Process June 2021. Collection method: clinical testing. Allele origin: germline. Affected: yes.

NM_001099922.3(ALG13):c.2797CCT[10] (p.Pro943_Pro945del)

Gene: ALG13 (ALG13 UDP-N-acetylglucosaminyltransferase subunit; plus strand). Cytogenetic location: Xq23.
Variant type: Microsatellite.
Coding change: c.2797CCT[10] on transcript NM_001099922.3 (MANE Select); ten copies in a row of the 3-base unit CCT starting at c.2797; the reference has 13 copies in a row; three copies, 9 bases deleted; also written c.2827_2835del.
Protein change: p.Pro943_Pro945del.
Molecular consequence: inframe deletion. On other transcripts: intron variant (5).
Genome position (GRCh38, 1-based): chrX:111,744,799-111,744,807, CCTCCTCCT deleted; deleting any 9 consecutive bases within chrX:111,744,769-111,744,807 gives the same sequence; the position shown is the placement nearest the transcript's 3' end. VCF-style (leftmost placement, unchanged base first): chrX-111744768-ACCTCCTCCT-A. GRCh37 (hg19) VCF-style: chrX-110987996-ACCTCCTCCT-A.
Other names: c.2563CCT[10], p.Pro865_Pro867del (NM_001257231.2); c.2383+7890CCT[10] (NM_001257237.2, NM_001257234.2, NM_001257230.2); c.2209+7890CCT[10] (NM_001324293.1); c.2695+7890CCT[10] (NM_001324292.2); c.2827_2835del (NM_001099922.2).
Identifiers: ClinVar variation 648499 (VCV000648499.21), dbSNP rs56717389, ClinGen allele CA10493983.
Genomic context (GRCh38, chrX:111,744,768, plus strand): 5'-TCATGCTGGTGCCTCTCTACCACCACCACCACCACCACCACCACCACCACCACCACCACC[ACCTCCTCCT>A]CCTCCTCCTCCTCCTCCTCCTCCTCCTCCTGCTCTTGATGTGGGAGAGACTTCAAACTTA-3'